The following is an entry in ClinVar:

ClinVar aggregate classification (germline): Pathogenic (1 of 4 stars; one submission).

Submission:

GeneDx
Classification: Pathogenic. Last evaluated: 2015-09-14. Review status: criteria provided, single submitter. Criteria: GeneDx Variant Classification (06012015). Collection method: clinical testing. Allele origin: germline. Affected: yes.
Comment: The M743K variant has not been published as a pathogenic variant, nor has it been reported as a benign polymorphism to our knowledge. The M743K variant was not observed in approximately 6,500 individuals of European and African American ancestry in the NHLBI Exome Sequencing Project, indicating it is not a common benign variant in these populations. The M743K variant is a non-conservative amino acid substitution, which is likely to impact secondary protein structure as these residues differ in polarity, size, and/or other properties. This substitution occurs at a position that is highly conserved across species. In silico analysis predicts this variant is damaging to the protein structure/function. The M743K variant is located within the ligand binding domain and other missense variants in this residue (M743V, M743I) and in nearby residues (G744R, G744E, W742C, W742L, W742R) have been reported in the Human Gene Mutation Database in association with androgen insensitivity syndrome (AIS) (Stenson et al., 2009), further supporting the functional importance of this region of the protein. Therefore, we interpret M743K to be a pathogenic variant.

NM_000044.6(AR):c.2228T>A (p.Met743Lys)

Gene: AR (androgen receptor; plus strand). Cytogenetic location: Xq12.
Variant type: single nucleotide variant.
Coding change: c.2228T>A on transcript NM_000044.6 (MANE Select); coding-DNA position 2228, T replaced by A.
Protein change: p.Met743Lys; replaces methionine 743 with lysine.
Molecular consequence: missense variant.
Genome position (GRCh38, 1-based): chrX:67,717,532, T>A. VCF-style: chrX-67717532-T-A. GRCh37 (hg19) VCF-style: chrX-66937374-T-A.
Other names: c.632T>A, p.Met211Lys (NM_001011645.3); short protein forms M743K, M211K.
Identifiers: ClinVar variation 429837 (VCV000429837.2), dbSNP rs1131691625, ClinGen allele CA413424536.